The following is an entry in ClinVar:

ClinVar aggregate classification (germline): Uncertain significance. Review status: criteria provided, multiple submitters, no conflicts (2 of 4 stars). 4 submissions from 4 submitters: Uncertain significance (4). Last evaluated 2025-11-16.

Conditions:
Primary familial hypertrophic cardiomyopathy (HCM). Identifiers: Orphanet 99739, MedGen C0949658, MeSH D024741, MONDO:0024573. Inheritance: Various modes of inheritance.
Dilated cardiomyopathy 1AA (CMD1AA). Also called: CARDIOMYOPATHY, DILATED, 1AA, WITH OR WITHOUT LEFT VENTRICULAR NONCOMPACTION; CARDIOMYOPATHY, FAMILIAL HYPERTROPHIC, 23, WITH OR WITHOUT LEFT VENTRICULAR NONCOMPACTION; Cardiomyopathy, dilated, 1AA, with or without LVNC. Identifiers: Orphanet 154, MedGen C2677338, MONDO:0012808, OMIM 612158.
Cardiovascular phenotype. Identifiers: MedGen CN230736.

Allele frequency attached by ClinVar (database versions not stated): TOPMed 0.00001.

Submissions (4):

Labcorp Genetics (formerly Invitae), Labcorp
Classification: Uncertain significance for Primary familial hypertrophic cardiomyopathy; Dilated cardiomyopathy 1AA. Last evaluated: 2025-11-16. Review status: criteria provided, single submitter. Criteria: Invitae Variant Classification Sherloc (09022015). Collection method: clinical testing. Allele origin: germline.
Comment: This sequence change replaces glutamine, which is neutral and polar, with histidine, which is basic and polar, at codon 498 of the ACTN2 protein (p.Gln498His). This variant is present in population databases (no rsID available, gnomAD 0.007%). This variant has not been reported in the literature in individuals affected with ACTN2-related conditions. ClinVar contains an entry for this variant (Variation ID: 876267). Invitae Evidence Modeling of protein sequence and biophysical properties (such as structural, functional, and spatial information, amino acid conservation, physicochemical variation, residue mobility, and thermodynamic stability) indicates that this missense variant is not expected to disrupt ACTN2 protein function with a negative predictive value of 95%. In summary, the available evidence is currently insufficient to determine the role of this variant in disease. Therefore, it has been classified as a Variant of Uncertain Significance.

Ambry Genetics
Classification: Uncertain significance for Cardiovascular phenotype. Last evaluated: 2024-06-28. Review status: criteria provided, single submitter. Criteria: Ambry Variant Classification Scheme 2023. Collection method: clinical testing. Allele origin: germline.

GeneDx
Classification: Uncertain significance. Last evaluated: 2019-06-26. Review status: criteria provided, single submitter. Criteria: GeneDx Variant Classification Process June 2021. Collection method: clinical testing. Allele origin: germline. Affected: yes.
Comment: Has not been previously published as pathogenic or benign to our knowledge; Not observed at a significant frequency in large population cohorts (Lek et al., 2016); In silico analysis, which includes protein predictors and evolutionary conservation, supports that this variant does not alter protein structure/function

Illumina Laboratory Services, Illumina
Classification: Uncertain significance for Dilated cardiomyopathy 1AA. Last evaluated: 2018-01-12. Review status: criteria provided, single submitter. Criteria: ICSL Variant Classification Criteria 13 December 2019. Collection method: clinical testing. Allele origin: germline.

NM_001103.4(ACTN2):c.1494G>C (p.Gln498His)

Gene: ACTN2 (actinin alpha 2; plus strand). Cytogenetic location: 1q43.
Variant type: single nucleotide variant.
Coding change: c.1494G>C on transcript NM_001103.4 (MANE Select); coding-DNA position 1494, G replaced by C.
Protein change: p.Gln498His; replaces glutamine 498 with histidine.
Molecular consequence: missense variant.
Genome position (GRCh38, 1-based): chr1:236,747,754, G>C. VCF-style: chr1-236747754-G-C. GRCh37 (hg19) VCF-style: chr1-236911054-G-C.
Other names: c.1494G>C, p.Gln498His (NM_001278343.2); c.870G>C, p.Gln290His (NM_001278344.2); short protein forms Q290H, Q498H.
Identifiers: ClinVar variation 876267 (VCV000876267.15), dbSNP rs1413564541, ClinGen allele CA345384170.
Genomic context (GRCh38, chr1:236,747,754, plus strand): 5'-TGTCAATGATCGGTGCCAGAAAATTTGTGACCAGTGGGACCGACTGGGAACGCTTACTCA[G>C]AAGAGGAGAGAAGCCCTAGAGGTGAAGTATTGAAGCCACTTGTTGACATGAAATCTTTTA-3'
Protein context (NP_001094.1, residues 488-508): DQWDRLGTLT[Gln498His]KRREALERME